The following is an entry in ClinVar:

NM_032608.7(MYO18B):c.4752C>A (p.Asp1584Glu)

Genes: MYO18B (myosin XVIIIB; plus strand), MYO18B-AS1 (MYO18B antisense RNA 1; minus strand). Cytogenetic location: 22q12.1.
Variant type: single nucleotide variant.
Coding change: c.4752C>A on transcript NM_032608.7 (MANE Select); coding-DNA position 4752, C replaced by A.
Protein change: p.Asp1584Glu; replaces aspartic acid 1584 with glutamic acid.
Molecular consequence: missense variant.
Genome position (GRCh38, 1-based): chr22:25,898,390, C>A. VCF-style: chr22-25898390-C-A. GRCh37 (hg19) VCF-style: chr22-26294357-C-A.
Other names: c.4755C>A, p.Asp1585Glu (NM_001318245.2); short protein forms D1584E, D1585E.
Identifiers: ClinVar variation 2871887 (VCV002871887.3), dbSNP rs764869659, ClinGen allele CA411010866.

ClinVar aggregate classification (germline): Uncertain significance (1 of 4 stars; one submission).

Submission:

Labcorp Genetics (formerly Invitae), Labcorp
Classification: Uncertain significance. Last evaluated: 2023-11-22. Review status: criteria provided, single submitter. Criteria: Invitae Variant Classification Sherloc (09022015). Collection method: clinical testing. Allele origin: germline.
Comment: This sequence change replaces aspartic acid, which is acidic and polar, with glutamic acid, which is acidic and polar, at codon 1584 of the MYO18B protein (p.Asp1584Glu). This variant is not present in population databases (gnomAD no frequency). This variant has not been reported in the literature in individuals affected with MYO18B-related conditions. Algorithms developed to predict the effect of missense changes on protein structure and function output the following: SIFT: "Not Available"; PolyPhen-2: "Benign"; Align-GVGD: "Not Available". The glutamic acid amino acid residue is found in multiple mammalian species, which suggests that this missense change does not adversely affect protein function. In summary, the available evidence is currently insufficient to determine the role of this variant in disease. Therefore, it has been classified as a Variant of Uncertain Significance.